The following is an entry in ClinVar:

NM_005228.5(EGFR):c.437G>A (p.Gly146Asp)

Gene: EGFR (epidermal growth factor receptor; plus strand). Cytogenetic location: 7p11.2.
Variant type: single nucleotide variant.
Coding change: c.437G>A on transcript NM_005228.5 (MANE Select); coding-DNA position 437, G replaced by A.
Protein change: p.Gly146Asp; replaces glycine 146 with aspartic acid.
Molecular consequence: missense variant. On other transcripts: intron variant (3).
Genome position (GRCh38, 1-based): chr7:55,146,618, G>A. VCF-style: chr7-55146618-G-A. GRCh37 (hg19) VCF-style: chr7-55214311-G-A.
Other names: c.437G>A, p.Gly146Asp (NM_001346898.2, NM_201282.2, NM_201283.2 and 1 more transcripts); c.278G>A, p.Gly93Asp (NM_001346900.2); c.424+3130G>A (NM_001346899.2, NM_001346897.2); c.89-9212G>A (NM_001346941.2); short protein forms G146D, G93D.
Identifiers: ClinVar variation 1006728 (VCV001006728.9), dbSNP rs1794774577, ClinGen allele CA367576488.

ClinVar aggregate classification (germline): Uncertain significance (1 of 4 stars; one submission).

Conditions:
EGFR-related lung cancer (EGFR). Identifiers: MedGen CN130014.

Submission:

Labcorp Genetics (formerly Invitae), Labcorp
Classification: Uncertain significance for EGFR-related lung cancer. Last evaluated: 2020-01-13. Review status: criteria provided, single submitter. Criteria: Invitae Variant Classification Sherloc (09022015). Collection method: clinical testing. Allele origin: germline.
Comment: This sequence change replaces glycine with aspartic acid at codon 146 of the EGFR protein (p.Gly146Asp). The glycine residue is highly conserved and there is a moderate physicochemical difference between glycine and aspartic acid. This variant is not present in population databases (ExAC no frequency). This variant has not been reported in the literature in individuals with EGFR-related conditions. Algorithms developed to predict the effect of missense changes on protein structure and function (SIFT, PolyPhen-2, Align-GVGD) all suggest that this variant is likely to be disruptive, but these predictions have not been confirmed by published functional studies and their clinical significance is uncertain. In summary, the available evidence is currently insufficient to determine the role of this variant in disease. Therefore, it has been classified as a Variant of Uncertain Significance.